The following is an entry in ClinVar:

ClinVar aggregate classification (germline): Uncertain significance. Review status: criteria provided, multiple submitters, no conflicts (2 of 4 stars). 9 submissions from 6 submitters: Uncertain significance (9). Last evaluated 2025-12-22.

Conditions:
Thyrotoxic periodic paralysis, susceptibility to, 1 (TTPP1). Identifiers: Orphanet 79102, MedGen C2749982, MONDO:0008570, OMIM 188580.
Malignant hyperthermia, susceptibility to, 5 (MHS5). Also called: CACNA1S-Related Malignant Hyperthermia Susceptibility. Identifiers: Orphanet 423, MedGen C1866077, MONDO:0011163, OMIM 601887.
Hypokalemic periodic paralysis, type 1. Also called: HypoPP; Hypokalemic Periodic Paralysis Type 1 (AD). Identifiers: Orphanet 681, MedGen C3714580, MONDO:0042979, OMIM 170400.
Congenital myopathy 18. Also called: DIHYDROPYRIDINE RECEPTOR CONGENITAL MYOPATHY; DHPR CONGENITAL MYOPATHY; Myopathy, congenital, due to dihydropyridine receptor defect. Identifiers: MedGen C5830283, MONDO:0859514, OMIM 620246.

Allele frequency attached by ClinVar (database versions not stated): TOPMed 0.00008.
gnomAD v4.1: 28 of 1,610,464 alleles (0.0017%); highest among the groups gnomAD compares: Admixed American, 0.028%; 1 homozygote.

Submissions (9):

Labcorp Genetics (formerly Invitae), Labcorp
Classification: Uncertain significance for Hypokalemic periodic paralysis, type 1; Malignant hyperthermia, susceptibility to, 5. Last evaluated: 2025-12-22. Review status: criteria provided, single submitter. Criteria: Invitae Variant Classification Sherloc (09022015). Collection method: clinical testing. Allele origin: germline.
Comment: This sequence change falls in intron 32 of the CACNA1S gene. It does not directly change the encoded amino acid sequence of the CACNA1S protein. It affects a nucleotide within the consensus splice site. This variant is present in population databases (rs752722907, gnomAD 0.02%), including at least one homozygous and/or hemizygous individual. This variant has not been reported in the literature in individuals affected with CACNA1S-related conditions. ClinVar contains an entry for this variant (Variation ID: 1365693). Variants that disrupt the consensus splice site are a relatively common cause of aberrant splicing (PMID: 17576681, 9536098). Algorithms developed to predict the effect of sequence changes on RNA splicing suggest that this variant may disrupt the consensus splice site. In summary, the available evidence is currently insufficient to determine the role of this variant in disease. Therefore, it has been classified as a Variant of Uncertain Significance.

GeneDx
Classification: Uncertain significance. Last evaluated: 2025-03-20. Review status: criteria provided, single submitter. Criteria: GeneDx Variant Classification Process June 2021. Collection method: clinical testing. Allele origin: germline. Affected: yes.
Comment: In silico analysis supports a deleterious effect on splicing; Has not been previously published as pathogenic or benign to our knowledge

All of Us Research Program, National Institutes of Health
Classification: Uncertain significance for Malignant hyperthermia, susceptibility to, 5. Last evaluated: 2024-07-29. Review status: criteria provided, single submitter. Criteria: ACMG Guidelines, 2015. Collection method: clinical testing. Allele origin: germline. Inheritance: Autosomal dominant inheritance. Observed: 8 variant alleles, 8 heterozygotes.
Comment: This variant causes a G to A nucleotide substitution at the +5 position of intron 32 of the CACNA1S gene. To our knowledge, functional studies have not been reported for this variant. This variant has not been reported in individuals affected with CACNA1S-related disorders in the literature. This variant has been identified in 16/282804 chromosomes in the general population by the Genome Aggregation Database (gnomAD). The available evidence is insufficient to determine the role of this variant in disease conclusively. Therefore, this variant is classified as a Variant of Uncertain Significance.

This study involves interpretation of variants in research participants for the purpose of population health screening. Participant phenotype was not available at the time of variant classification. Additional details can be found in publication PMID: 35346344, PMCID: PMC8962531

Color Diagnostics, LLC DBA Color Health
Classification: Uncertain significance for Malignant hyperthermia, susceptibility to, 5. Last evaluated: 2024-07-03. Review status: criteria provided, single submitter. Criteria: ACMG Guidelines, 2015. Collection method: clinical testing. Allele origin: germline.
Comment: This variant causes a G to A nucleotide substitution at the +5 position of intron 32 of the CACNA1S gene. To our knowledge, functional studies have not been reported for this variant. This variant has not been reported in individuals affected with CACNA1S-related disorders in the literature. This variant has been identified in 16/282804 chromosomes in the general population by the Genome Aggregation Database (gnomAD). The available evidence is insufficient to determine the role of this variant in disease conclusively. Therefore, this variant is classified as a Variant of Uncertain Significance.

Fulgent Genetics
Classification: Uncertain significance for Hypokalemic periodic paralysis, type 1; Thyrotoxic periodic paralysis, susceptibility to, 1; Malignant hyperthermia, susceptibility to, 5; Congenital myopathy 18. Last evaluated: 2024-04-23. Review status: criteria provided, single submitter. Criteria: ACMG Guidelines, 2015. Collection method: clinical testing. Allele origin: germline.

Genome-Nilou Lab
Classification: Uncertain significance for Malignant hyperthermia, susceptibility to, 5. Last evaluated: 2023-04-11. Review status: criteria provided, single submitter. Criteria: ACMG Guidelines, 2015. Collection method: clinical testing. Allele origin: germline. Affected: no.

Genome-Nilou Lab
Classification: Uncertain significance for Thyrotoxic periodic paralysis, susceptibility to, 1. Last evaluated: 2023-04-11. Review status: criteria provided, single submitter. Criteria: ACMG Guidelines, 2015. Collection method: clinical testing. Allele origin: germline. Affected: no.

Genome-Nilou Lab
Classification: Uncertain significance for Congenital myopathy 18. Last evaluated: 2023-04-11. Review status: criteria provided, single submitter. Criteria: ACMG Guidelines, 2015. Collection method: clinical testing. Allele origin: germline. Affected: no.

Genome-Nilou Lab
Classification: Uncertain significance for Hypokalemic periodic paralysis, type 1. Last evaluated: 2023-04-11. Review status: criteria provided, single submitter. Criteria: ACMG Guidelines, 2015. Collection method: clinical testing. Allele origin: germline. Affected: no.

Literature cited by the submitters: PubMed 17576681 (cited by Labcorp Genetics (formerly Invitae), Labcorp); PubMed 9536098 (cited by Labcorp Genetics (formerly Invitae), Labcorp).

NM_000069.3(CACNA1S):c.3953+5G>A

Gene: CACNA1S (calcium voltage-gated channel subunit alpha1 S; minus strand). Cytogenetic location: 1q32.1.
Variant type: single nucleotide variant.
Coding change: c.3953+5G>A on transcript NM_000069.3 (MANE Select); 5 bases into the intron after coding-DNA position 3953, G replaced by A.
Molecular consequence: intron variant.
Genome position (GRCh38, 1-based): chr1:201,052,552, C>T on the plus strand (G>A on the coding strand, the complement: CACNA1S is on the minus strand). VCF-style: chr1-201052552-C-T. GRCh37 (hg19) VCF-style: chr1-201021680-C-T.
Identifiers: ClinVar variation 1365693 (VCV001365693.13), dbSNP rs752722907, ClinGen allele CA082983.
Genomic context (GRCh38, chr1:201,052,552, plus strand): 5'-ATTAGAACAGAGCAAAGGCTGGACTGGTCAGCGGGGTAGGGGTGGGGGTGGCGGGAGACG[C>T]GTGCCTGAAGAGCAGTAGCACAGCTTGTGGGAAGGTCTGGAAGTTGTTGTTCCGGTTTAT-3'